The following is an entry in ClinVar:

ClinVar aggregate classification (germline): Benign. Review status: criteria provided, multiple submitters, no conflicts (2 of 4 stars). 12 submissions from 12 submitters: Benign (8). 4 of the submissions do not count toward it. Last evaluated 2026-02-03.

Conditions:
Collagen 6-related myopathy. Identifiers: MedGen CN117976, MONDO:0100225.
Bethlem myopathy 1A. Also called: MYOPATHY, BENIGN CONGENITAL, WITH CONTRACTURES; Bethlem myopathy 1; Bethlem Muscular Dystrophy. Identifiers: Orphanet 610, MedGen CN029274, MONDO:0024530, OMIM 158810.

Allele frequency attached by ClinVar (database versions not stated): gnomAD exomes 0.00994 and 0.01611; gnomAD 0.01085 and 0.01038; 1000 Genomes Project 0.00379; TOPMed 0.01062; ESP Exome Variant Server 0.01099; 1000 Genomes Project 30x 0.00406; ExAC 0.01026.
gnomAD v4.1: 24,897 of 1,614,182 alleles (1.5%); highest among the groups gnomAD compares: Non-Finnish European, 1.9%; 244 homozygotes.

Submissions (12):

Labcorp Genetics (formerly Invitae), Labcorp
Classification: Benign for Bethlem myopathy 1A. Last evaluated: 2026-02-03. Review status: criteria provided, single submitter. Criteria: Invitae Variant Classification Sherloc (09022015). Collection method: clinical testing. Allele origin: germline.

Athena Diagnostics
Classification: Benign. Last evaluated: 2021-10-29. Review status: criteria provided, single submitter. Criteria: Athena Diagnostics Criteria. Collection method: clinical testing. Allele origin: unknown.

Illumina Laboratory Services, Illumina
Classification: Benign for Collagen VI-related myopathy. Last evaluated: 2018-03-06. Review status: criteria provided, single submitter. Criteria: ICSL Variant Classification Criteria 13 December 2019. Collection method: clinical testing. Allele origin: germline.
Comment: This variant was observed in the ICSL laboratory as part of a predisposition screen in an ostensibly healthy population. It had not been previously curated by ICSL or reported in the Human Gene Mutation Database (HGMD: prior to June 1st, 2018), and was therefore a candidate for classification through an automated scoring system. Utilizing variant allele frequency, disease prevalence and penetrance estimates, and inheritance mode, an automated score was calculated to assess if this variant is too frequent to cause the disease. Based on the score and internal cut-off values, a variant classified as benign is not then subjected to further curation. The score for this variant resulted in a classification of benign for this disease.

Mayo Clinic Laboratories, Mayo Clinic
Classification: Benign. Last evaluated: 2017-12-05. Review status: criteria provided, single submitter. Criteria: ACMG Guidelines, 2015. Collection method: clinical testing. Allele origin: germline. Observed: 24 variant alleles.

GeneDx
Classification: Benign. Last evaluated: 2016-02-29. Review status: criteria provided, single submitter. Criteria: GeneDx Variant Classification (06012015). Collection method: clinical testing. Allele origin: germline. Affected: yes.
Comment: This variant is considered likely benign or benign based on one or more of the following criteria: it is a conservative change, it occurs at a poorly conserved position in the protein, it is predicted to be benign by multiple in silico algorithms, and/or has population frequency not consistent with disease.

Eurofins Ntd Llc (ga)
Classification: Benign. Last evaluated: 2012-11-05. Review status: criteria provided, single submitter. Criteria: EGL Classification Definitions 2015. Collection method: clinical testing. Allele origin: germline. Observed: 3 variant alleles, 3 heterozygotes.

Breakthrough Genomics
Classification: Benign. Review status: criteria provided, single submitter. Criteria: ACMG Guidelines, 2015. Collection method: not provided. Allele origin: germline. Inheritance: Autosomal recessive inheritance. Affected: yes.

PreventionGenetics, part of Exact Sciences
Classification: Benign. Review status: criteria provided, single submitter. Criteria: ACMG Guidelines, 2015. Collection method: clinical testing. Allele origin: germline.

Clinical Genetics, Academic Medical Center
Classification: Benign. Review status: no assertion criteria provided. Collection method: clinical testing. Allele origin: germline. Affected: yes. Study: VKGL Data-share Consensus. Not counted in ClinVar's aggregate classification.

Genome Diagnostics Laboratory, University Medical Center Utrecht
Classification: Likely benign. Review status: no assertion criteria provided. Collection method: clinical testing. Allele origin: germline. Affected: yes. Study: VKGL Data-share Consensus. Not counted in ClinVar's aggregate classification.

Joint Genome Diagnostic Labs from Nijmegen and Maastricht, Radboudumc and MUMC+
Classification: Benign. Review status: no assertion criteria provided. Collection method: clinical testing. Allele origin: germline. Affected: yes. Study: VKGL Data-share Consensus. Not counted in ClinVar's aggregate classification.

Laboratory of Diagnostic Genome Analysis, Leiden University Medical Center (LUMC)
Classification: Likely benign. Review status: no assertion criteria provided. Collection method: clinical testing. Allele origin: germline. Affected: yes. Study: VKGL Data-share Consensus. Not counted in ClinVar's aggregate classification.

NM_004369.4(COL6A3):c.4727G>A (p.Arg1576Gln)

Gene: COL6A3 (collagen type VI alpha 3 chain; minus strand). Cytogenetic location: 2q37.3.
Variant type: single nucleotide variant.
Coding change: c.4727G>A on transcript NM_004369.4 (MANE Select); coding-DNA position 4727, G replaced by A.
Protein change: p.Arg1576Gln; replaces arginine 1576 with glutamine.
Molecular consequence: missense variant.
Genome position (GRCh38, 1-based): chr2:237,368,736, C>T on the plus strand (G>A on the coding strand, the complement: COL6A3 is on the minus strand). VCF-style: chr2-237368736-C-T. GRCh37 (hg19) VCF-style: chr2-238277379-C-T.
Other names: c.2906G>A, p.Arg969Gln (NM_057166.5); c.4109G>A, p.Arg1370Gln (NM_057167.4); short protein forms R1370Q, R969Q.
Identifiers: ClinVar variation 94938 (VCV000094938.26), dbSNP rs61729839, ClinGen allele CA147974.